The following is an entry in ClinVar:

NM_178009.5(DGKH):c.623-3_623-2insTTTTTTTTTTTTTTTTTTTTTTTTTTTTTTTTTTT

Gene: DGKH (diacylglycerol kinase eta; plus strand). Cytogenetic location: 13q14.11.
Variant type: Insertion.
Coding change: c.623-3_623-2insTTTTTTTTTTTTTTTTTTTTTTTTTTTTTTTTTTT on transcript NM_178009.5 (MANE Select); 3 bases into the intron before coding-DNA position 623 through the canonical splice acceptor site of the intron before coding-DNA position 623, TTTTTTTTTTTTTTTTTTTTTTTTTTTTTTTTTTT inserted.
Molecular consequence: intron variant.
Genome position: GRCh38: chr13:42,159,263-42,159,264. GRCh37 (hg19): chr13:42,733,399-42,733,400.
Other names: c.623-3_623-2insTTTTTTTTTTTTTTTTTTTTTTTTTTTTTTTTTTT (NM_001204504.3, NM_152910.6); c.215-3_215-2insTTTTTTTTTTTTTTTTTTTTTTTTTTTTTTTTTTT (NM_001204505.3, NM_001204506.3); c.120+3464_120+3465insTTTTTTTTTTTTTTTTTTTTTTTTTTTTTTTTTTT (NM_001297429.2).
Identifiers: ClinVar variation 2643788 (VCV002643788.24), dbSNP rs57531279, ClinGen allele CA955363841.

ClinVar aggregate classification (germline): Likely benign (1 of 4 stars; one submission).

Submission:

CeGaT Center for Human Genetics Tuebingen
Classification: Likely benign. Last evaluated: 2023-01-01. Review status: criteria provided, single submitter. Criteria: CeGaT Center For Human Genetics Tuebingen Variant Classification Criteria Version 2. Collection method: clinical testing. Allele origin: germline. Affected: yes. Observed: 1 variant allele.
Comment: DGKH: BS2